The following is an entry in ClinVar:

ClinVar aggregate classification (germline): Uncertain significance (1 of 4 stars; one submission).

Submission:

GeneDx
Classification: Uncertain significance. Last evaluated: 2020-02-07. Review status: criteria provided, single submitter. Criteria: GeneDx Variant Classification Process June 2021. Collection method: clinical testing. Allele origin: germline. Affected: yes.
Comment: Not observed in large population cohorts (Lek et al., 2016); Frameshift variant predicted to result in protein truncation or nonsense mediated decay in a gene for which loss-of-function is not a known mechanism of disease; Has not been previously published as pathogenic or benign to our knowledge

NM_020338.4(ZMIZ1):c.646_649del (p.Phe216fs)

Gene: ZMIZ1 (zinc finger MIZ-type containing 1; plus strand). Cytogenetic location: 10q22.3.
Variant type: Deletion.
Coding change: c.646_649del on transcript NM_020338.4 (MANE Select); coding-DNA positions 646 to 649, 4 bases deleted (TTTG; older notation c.646_649delTTTG).
Protein change: p.Phe216fs; shifts the reading frame from phenylalanine 216.
Molecular consequence: frameshift variant.
Genome position (GRCh38, 1-based): chr10:79,291,064-79,291,067, TTTG deleted; deleting any 4 consecutive bases within chr10:79,291,063-79,291,067 gives the same sequence; the c. name uses the placement nearest the transcript's 3' end. VCF-style (leftmost placement, unchanged base first): chr10-79291062-AGTTT-A. GRCh37 (hg19) VCF-style: chr10-81050819-AGTTT-A.
Other names: short protein forms F216fs.
Identifiers: ClinVar variation 1311179 (VCV001311179.2), dbSNP rs2132028721, ClinGen allele CA2573053314.